The following is an entry in ClinVar:

NM_004991.4(MECOM):c.866G>A (p.Arg289Lys)

Gene: MECOM (MDS1 and EVI1 complex locus; minus strand). Cytogenetic location: 3q26.2.
Variant type: single nucleotide variant.
Coding change: c.866G>A on transcript NM_004991.4 (MANE Select); coding-DNA position 866, G replaced by A.
Protein change: p.Arg289Lys; replaces arginine 289 with lysine.
Molecular consequence: missense variant.
Genome position (GRCh38, 1-based): chr3:169,122,692, C>T on the plus strand (G>A on the coding strand, the complement: MECOM is on the minus strand). VCF-style: chr3-169122692-C-T. GRCh37 (hg19) VCF-style: chr3-168840480-C-T.
Other names: c.494G>A, p.Arg165Lys (NM_001105077.4); c.302G>A, p.Arg101Lys (NM_001105078.4, NM_001163999.2, NM_001164000.2 and 9 more transcripts); c.866G>A, p.Arg289Lys (NM_001366466.2, NM_001366473.2); short protein forms R165K, R101K, R289K.
Identifiers: ClinVar variation 4105807 (VCV004105807.1).

ClinVar aggregate classification (germline): Uncertain significance (1 of 4 stars; one submission).

Conditions:
Inborn genetic diseases. Identifiers: MedGen C0950123, MeSH D030342.

gnomAD v4.1: 10 of 1,613,986 alleles (0.00062%); highest among the groups gnomAD compares: Non-Finnish European, 0.00085%; no homozygotes.

Submission:

Ambry Genetics
Classification: Uncertain significance for Inborn genetic diseases. Last evaluated: 2025-08-01. Review status: criteria provided, single submitter. Criteria: Ambry Variant Classification Scheme 2023. Collection method: clinical testing. Allele origin: germline.
Comment: The p.R289K variant (also known as c.866G>A), located in coding exon 6 of the MECOM gene, results from a G to A substitution at nucleotide position 866. The arginine at codon 289 is replaced by lysine, an amino acid with highly similar properties. This amino acid position is conserved. In addition, this alteration is predicted to be tolerated by in silico analysis. Based on the available evidence, the clinical significance of this variant remains unclear.